The following is an entry in ClinVar:

NM_005159.5(ACTC1):c.854T>G (p.Met285Arg)

Genes: GJD2-DT (GJD2 divergent transcript; plus strand), ACTC1 (actin alpha cardiac muscle 1; minus strand). Cytogenetic location: 15q14.
Variant type: single nucleotide variant.
Coding change: c.854T>G on transcript NM_005159.5 (MANE Select); coding-DNA position 854, T replaced by G.
Protein change: p.Met285Arg; replaces methionine 285 with arginine.
Molecular consequence: missense variant.
Genome position (GRCh38, 1-based): chr15:34,791,250, A>C on the plus strand (T>G on the coding strand, the complement: ACTC1 is on the minus strand). VCF-style: chr15-34791250-A-C. GRCh37 (hg19) VCF-style: chr15-35083451-A-C.
Other names: c.854T>G, p.Met285Arg (NM_001406482.1, NM_001406483.1); c.719T>G, p.Met240Arg (NM_001406484.1); c.413T>G, p.Met138Arg (NM_001406485.1); short protein forms M285R, M240R, M138R.
Identifiers: ClinVar variation 2953358 (VCV002953358.3), dbSNP rs869025354, ClinGen allele CA391629570.

ClinVar aggregate classification (germline): Uncertain significance (1 of 4 stars; one submission).

Conditions:
Hypertrophic cardiomyopathy 11. Also called: ACTC1-Related Familial Hypertrophic Cardiomyopathy. Identifiers: MedGen C2677506, MONDO:0012799, OMIM 612098.
Dilated cardiomyopathy 1R (CMD1R). Identifiers: Orphanet 154, Orphanet 54260, MedGen C3150681, MONDO:0013261, OMIM 613424.
Atrial septal defect 5 (ASD5). Identifiers: Orphanet 1478, MedGen C2748552, MONDO:0013011, OMIM 612794.

Submission:

Labcorp Genetics (formerly Invitae), Labcorp
Classification: Uncertain significance for Dilated cardiomyopathy 1R; Hypertrophic cardiomyopathy 11; Atrial septal defect 5. Last evaluated: 2023-12-04. Review status: criteria provided, single submitter. Criteria: Invitae Variant Classification Sherloc (09022015). Collection method: clinical testing. Allele origin: germline.
Comment: This sequence change replaces methionine, which is neutral and non-polar, with arginine, which is basic and polar, at codon 285 of the ACTC1 protein (p.Met285Arg). This variant is not present in population databases (gnomAD no frequency). This variant has not been reported in the literature in individuals affected with ACTC1-related conditions. Advanced modeling of protein sequence and biophysical properties (such as structural, functional, and spatial information, amino acid conservation, physicochemical variation, residue mobility, and thermodynamic stability) performed at Invitae indicates that this missense variant is not expected to disrupt ACTC1 protein function with a negative predictive value of 80%. In summary, the available evidence is currently insufficient to determine the role of this variant in disease. Therefore, it has been classified as a Variant of Uncertain Significance.